The following is an entry in ClinVar:

ClinVar aggregate classification (germline): Uncertain significance (1 of 4 stars; one submission).

Conditions:
Osteogenesis imperfecta type 8 (OI8). Identifiers: MedGen C1970458, MONDO:0012581, OMIM 610915.

Allele frequency attached by ClinVar (database versions not stated): gnomAD exomes below 0.00001.
gnomAD v4.1: 1 of 1,604,986 alleles (0.000062%); highest among the groups gnomAD compares: Non-Finnish European, 0.000085%; no homozygotes.

Submission:

Labcorp Genetics (formerly Invitae), Labcorp
Classification: Uncertain significance for Osteogenesis imperfecta type 8. Last evaluated: 2022-04-12. Review status: criteria provided, single submitter. Criteria: Invitae Variant Classification Sherloc (09022015). Collection method: clinical testing. Allele origin: germline.
Comment: In summary, the available evidence is currently insufficient to determine the role of this variant in disease. Therefore, it has been classified as a Variant of Uncertain Significance. Algorithms developed to predict the effect of sequence changes on RNA splicing suggest that this variant may create or strengthen a splice site. This variant has not been reported in the literature in individuals affected with P3H1-related conditions. This variant is not present in population databases (gnomAD no frequency). This sequence change falls in intron 6 of the P3H1 gene. It does not directly change the encoded amino acid sequence of the P3H1 protein.

NM_022356.4(P3H1):c.1170+15A>G

Gene: P3H1 (prolyl 3-hydroxylase 1; minus strand). Cytogenetic location: 1p34.2.
Variant type: single nucleotide variant.
Coding change: c.1170+15A>G on transcript NM_022356.4 (MANE Select); 15 bases into the intron after coding-DNA position 1170, A replaced by G.
Molecular consequence: intron variant.
Genome position (GRCh38, 1-based): chr1:42,755,533, T>C on the plus strand (A>G on the coding strand, the complement: P3H1 is on the minus strand). VCF-style: chr1-42755533-T-C. GRCh37 (hg19) VCF-style: chr1-43221204-T-C.
Other names: c.1170+15A>G (NM_001146289.2, NM_001243246.2).
Identifiers: ClinVar variation 2141280 (VCV002141280.4), dbSNP rs2524455677, ClinGen allele CA2580062803.